The following is an entry in ClinVar:

ClinVar aggregate classification (germline): Pathogenic (1 of 4 stars; one submission).

Conditions:
Primary ciliary dyskinesia. Also called: Ciliary dyskinesia. Identifiers: Orphanet 244, MedGen C0008780, MONDO:0016575, HP:0012265.

Submission:

Labcorp Genetics (formerly Invitae), Labcorp
Classification: Pathogenic for Primary ciliary dyskinesia. Last evaluated: 2023-04-14. Review status: criteria provided, single submitter. Criteria: Invitae Variant Classification Sherloc (09022015). Collection method: clinical testing. Allele origin: germline.
Comment: For these reasons, this variant has been classified as Pathogenic. This sequence change creates a premature translational stop signal (p.Leu3894Hisfs*10) in the DNAH5 gene. It is expected to result in an absent or disrupted protein product. Loss-of-function variants in DNAH5 are known to be pathogenic (PMID: 11788826, 16627867). This variant is not present in population databases (gnomAD no frequency). This variant has not been reported in the literature in individuals affected with DNAH5-related conditions. ClinVar contains an entry for this variant (Variation ID: 1994995).

Literature cited by the submitters: PubMed 11788826; PubMed 16627867.

NM_001369.3(DNAH5):c.11676_11680dup (p.Leu3894fs)

Gene: DNAH5 (dynein axonemal heavy chain 5; minus strand). Cytogenetic location: 5p15.2.
Variant type: Duplication.
Coding change: c.11676_11680dup on transcript NM_001369.3 (MANE Select); coding-DNA positions 11676 to 11680, 5 bases duplicated (ATTCC; older notation c.11676_11680dupATTCC).
Protein change: p.Leu3894fs; shifts the reading frame from leucine 3894.
Molecular consequence: frameshift variant.
Genome position (GRCh38, 1-based): chr5:13,735,212-13,735,216, GGAAT duplicated on the plus strand (ATTCC on the coding strand, the reverse complement: DNAH5 is on the minus strand). VCF-style (leftmost placement, unchanged base first): chr5-13735211-A-AGGAAT. GRCh37 (hg19) VCF-style: chr5-13735320-A-AGGAAT.
Other names: short protein forms L3894fs.
Identifiers: ClinVar variation 1994995 (VCV001994995.4), dbSNP rs2546561012, ClinGen allele CA2580071990.